The following is an entry in ClinVar:

NM_002734.5(PRKAR1A):c.503-10C>A

Gene: PRKAR1A (protein kinase cAMP-dependent type I regulatory subunit alpha; plus strand). Cytogenetic location: 17q24.2.
Variant type: single nucleotide variant.
Coding change: c.503-10C>A on transcript NM_002734.5 (MANE Select); 10 bases into the intron before coding-DNA position 503, C replaced by A.
Molecular consequence: intron variant.
Genome position (GRCh38, 1-based): chr17:68,524,902, C>A. VCF-style: chr17-68524902-C-A. GRCh37 (hg19) VCF-style: chr17-66521043-C-A.
Other names: c.503-10C>A (NM_001278433.2, NM_001369389.1, NM_212471.3 and 4 more transcripts).
Identifiers: ClinVar variation 496169 (VCV000496169.1), dbSNP rs1555813804, ClinGen allele CA658684177.

ClinVar aggregate classification (germline): Uncertain significance (1 of 4 stars; one submission).

Submission:

Women's Health and Genetics/Laboratory Corporation of America, LabCorp
Classification: Uncertain significance. Last evaluated: 2016-12-22. Review status: criteria provided, single submitter. Criteria: LabCorp Variant Classification Summary - May 2015. Collection method: clinical testing. Allele origin: germline.
Comment: Variant summary: The PRKAR1A c.503-10C>A variant involves the alteration of a non-conserved intronic nucleotide. One in silico tool predicts a benign outcome for this variant. 5/5 splice prediction tools via Alamut suggest no significant impact on a normal splicing pattern. This variant is absent from 121048 control chromosomes (ExAC data). The variant of interest has not, to our knowledge, been reported in affected individuals via publications and/or reputable databases/clinical diagnostic laboratories nor was it evaluated for functional impact by in vivo/vitro studies. Taken together, this variant is classified as VUS.